The following is an entry in ClinVar:

NM_001061.7(TBXAS1):c.90-1G>A

Gene: TBXAS1 (thromboxane A synthase 1; plus strand). Cytogenetic location: 7q34.
Variant type: single nucleotide variant.
Coding change: c.90-1G>A on transcript NM_001061.7 (MANE Select); the canonical splice acceptor site of the intron before coding-DNA position 90, G replaced by A.
Molecular consequence: splice acceptor variant.
Genome position (GRCh38, 1-based): chr7:139,872,234, G>A. VCF-style: chr7-139872234-G-A. GRCh37 (hg19) VCF-style: chr7-139572033-G-A.
Other names: c.90-1G>A (NM_001130966.5, NM_001166253.4, NM_030984.6 and 1 more transcripts); c.-112-1G>A (NM_001166254.4); c.4-1G>A (NM_001314028.4, NM_001366537.3).
Identifiers: ClinVar variation 3769419 (VCV003769419.2).

ClinVar aggregate classification (germline): Likely pathogenic (1 of 4 stars; one submission).

Conditions:
Ghosal hematodiaphyseal dysplasia. Also called: Ghosal hematodiaphyseal syndrome. Identifiers: Orphanet 1802, MedGen C1856465, MONDO:0009274, OMIM 231095.

gnomAD v4.1: 1 of 1,613,714 alleles (0.000062%); highest among the groups gnomAD compares: South Asian, 0.0011%; no homozygotes.

Submission:

Women's Health and Genetics/Laboratory Corporation of America, LabCorp
Classification: Likely pathogenic for Ghosal hematodiaphyseal dysplasia. Last evaluated: 2025-01-27. Review status: criteria provided, single submitter. Criteria: LabCorp Variant Classification Summary - May 2015. Collection method: clinical testing. Allele origin: germline.
Comment: Variant summary: TBXAS1 c.90-1G>A is located in a canonical splice-site and is predicted to affect mRNA splicing resulting in a significantly altered protein due to either exon skipping, shortening, or inclusion of intronic material. Variants that disrupt the consensus splice site are a relatively common cause of aberrant splicing and loss of TBXAS1 function. Several computational tools predict a significant impact on normal splicing: Four predict the variant abolishes a 3' acceptor site. However, these predictions have yet to be confirmed by functional studies. The variant allele was found at a frequency of 4e-06 in 251306 control chromosomes. To our knowledge, no occurrence of c.90-1G>A in individuals affected with Ghosal Hematodiaphyseal Dysplasia and no experimental evidence demonstrating its impact on protein function have been reported. No submitters have cited clinical-significance assessments for this variant to ClinVar. Based on the evidence outlined above, the variant was classified as likely pathogenic.